The following is an entry in ClinVar:

ClinVar aggregate classification (germline): Likely benign. Review status: criteria provided, multiple submitters, no conflicts (2 of 4 stars). 4 submissions from 4 submitters: Likely benign (4). Last evaluated 2026-01-28.

Allele frequency attached by ClinVar (database versions not stated): ExAC 0.00011; TOPMed 0.00012; gnomAD exomes 0.00013 and 0.00014; ESP Exome Variant Server 0.00015; gnomAD 0.00019 and 0.00021.
gnomAD v4.1: 211 of 1,612,910 alleles (0.013%); highest among the groups gnomAD compares: Non-Finnish European, 0.016%; no homozygotes.

Submissions (4):

Labcorp Genetics (formerly Invitae), Labcorp
Classification: Likely benign. Last evaluated: 2026-01-28. Review status: criteria provided, single submitter. Criteria: Invitae Variant Classification Sherloc (09022015). Collection method: clinical testing. Allele origin: germline.

Blueprint Genetics
Classification: Likely benign. Last evaluated: 2024-10-14. Review status: criteria provided, single submitter. Criteria: ACMG Guidelines, 2015. Collection method: clinical testing. Allele origin: germline.

CeGaT Center for Human Genetics Tuebingen
Classification: Likely benign. Last evaluated: 2024-08-01. Review status: criteria provided, single submitter. Criteria: CeGaT Center For Human Genetics Tuebingen Variant Classification Criteria Version 2. Collection method: clinical testing. Allele origin: germline. Affected: yes. Observed: 2 variant alleles.
Comment: LRP2: BP4

PreventionGenetics, part of Exact Sciences
Classification: Likely benign. Review status: criteria provided, single submitter. Criteria: ACMG Guidelines, 2015. Collection method: clinical testing. Allele origin: germline.

NM_004525.3(LRP2):c.4035C>T (p.Ser1345=)

Gene: LRP2 (LDL receptor related protein 2; minus strand). Cytogenetic location: 2q31.1.
Variant type: single nucleotide variant.
Coding change: c.4035C>T on transcript NM_004525.3 (MANE Select); coding-DNA position 4035, C replaced by T.
Protein change: p.Ser1345=; no amino-acid change (serine 1345 retained).
Molecular consequence: synonymous variant.
Genome position (GRCh38, 1-based): chr2:169,240,998, G>A on the plus strand (C>T on the coding strand, the complement: LRP2 is on the minus strand). VCF-style: chr2-169240998-G-A. GRCh37 (hg19) VCF-style: chr2-170097508-G-A.
Identifiers: ClinVar variation 259417 (VCV000259417.34), dbSNP rs200587303, ClinGen allele CA1954903.